The following is an entry in ClinVar:

NM_152703.5(SAMD9L):c.3418A>C (p.Asn1140His)

Gene: SAMD9L (sterile alpha motif domain containing 9 like; minus strand). Cytogenetic location: 7q21.2.
Variant type: single nucleotide variant.
Coding change: c.3418A>C on transcript NM_152703.5 (MANE Select); coding-DNA position 3418, A replaced by C.
Protein change: p.Asn1140His; replaces asparagine 1140 with histidine.
Molecular consequence: missense variant.
Genome position (GRCh38, 1-based): chr7:93,132,554, T>G on the plus strand (A>C on the coding strand, the complement: SAMD9L is on the minus strand). VCF-style: chr7-93132554-T-G. GRCh37 (hg19) VCF-style: chr7-92761867-T-G.
Other names: c.3418A>C (NM_152703.2); c.3418A>C, p.Asn1140His (NM_001303496.3, NM_001303497.3, NM_001303498.3 and 5 more transcripts); short protein forms N1140H.
Identifiers: ClinVar variation 1945121 (VCV001945121.6), dbSNP rs1179270817, ClinGen allele CA368182598.
Genomic context (GRCh38, chr7:93,132,554, plus strand): 5'-AGGCTTTTTCCGCAGCTTCTAGGAGATGTGTTAGGTCATTAACAGTAATGCTCCTACAGT[T>G]TTTGTTCCCATCCAACCACCATTTGATTTCACTTTTGTAGACTTGACCTAGTGTATCTGA-3'
Protein context (NP_689916.2, residues 1130-1150): EIKWWLDGNK[Asn1140His]CRSITVNDLT

ClinVar aggregate classification (germline): Uncertain significance. Review status: criteria provided, multiple submitters, no conflicts (2 of 4 stars). 2 submissions from 2 submitters: Uncertain significance (2). Last evaluated 2025-07-10.

Conditions:
Inborn genetic diseases. Identifiers: MedGen C0950123, MeSH D030342.

Allele frequency attached by ClinVar (database versions not stated): TOPMed below 0.00001.

Submissions (2):

Ambry Genetics
Classification: Uncertain significance for Inborn genetic diseases. Last evaluated: 2025-07-10. Review status: criteria provided, single submitter. Criteria: Ambry Variant Classification Scheme 2023. Collection method: clinical testing. Allele origin: germline.
Comment: The p.N1140H variant (also known as c.3418A>C), located in coding exon 1 of the SAMD9L gene, results from an A to C substitution at nucleotide position 3418. The asparagine at codon 1140 is replaced by histidine, an amino acid with similar properties. This amino acid position is conserved. In addition, this alteration is predicted to be tolerated by in silico analysis. Based on the available evidence, the clinical significance of this variant remains unclear.

Labcorp Genetics (formerly Invitae), Labcorp
Classification: Uncertain significance. Last evaluated: 2022-06-07. Review status: criteria provided, single submitter. Criteria: Invitae Variant Classification Sherloc (09022015). Collection method: clinical testing. Allele origin: germline.
Comment: This sequence change replaces asparagine, which is neutral and polar, with histidine, which is basic and polar, at codon 1140 of the SAMD9L protein (p.Asn1140His). This variant is not present in population databases (gnomAD no frequency). This variant has not been reported in the literature in individuals affected with SAMD9L-related conditions. Algorithms developed to predict the effect of missense changes on protein structure and function are either unavailable or do not agree on the potential impact of this missense change (SIFT: "Not Available"; PolyPhen-2: "Possibly Damaging"; Align-GVGD: "Not Available"). In summary, the available evidence is currently insufficient to determine the role of this variant in disease. Therefore, it has been classified as a Variant of Uncertain Significance.